The following is an entry in ClinVar:

ClinVar aggregate classification (germline): Uncertain significance. Review status: criteria provided, multiple submitters, no conflicts (2 of 4 stars). 2 submissions from 2 submitters: Uncertain significance (2). Last evaluated 2025-12-16.

gnomAD v4.1: 42 of 1,609,762 alleles (0.0026%); highest among the groups gnomAD compares: African/African-American, 0.039%; no homozygotes.

Submissions (2):

Ambry Genetics
Classification: Uncertain significance. Last evaluated: 2025-12-16. Review status: criteria provided, single submitter. Criteria: Ambry Variant Classification Scheme 2023. Collection method: clinical testing. Allele origin: germline.

Labcorp Genetics (formerly Invitae), Labcorp
Classification: Uncertain significance. Last evaluated: 2025-12-01. Review status: criteria provided, single submitter. Criteria: Invitae Variant Classification Sherloc (09022015). Collection method: clinical testing. Allele origin: germline.
Comment: This sequence change replaces aspartic acid, which is acidic and polar, with asparagine, which is neutral and polar, at codon 231 of the LRRCC1 protein (p.Asp231Asn). This variant is present in population databases (rs150905781, gnomAD 0.04%). This variant has not been reported in the literature in individuals affected with LRRCC1-related conditions. An algorithm developed to predict the effect of missense changes on protein structure and function (PolyPhen-2) suggests that this variant is likely to be tolerated. In summary, the available evidence is currently insufficient to determine the role of this variant in disease. Therefore, it has been classified as a Variant of Uncertain Significance.

NM_033402.5(LRRCC1):c.691G>A (p.Asp231Asn)

Gene: LRRCC1 (leucine rich repeat and coiled-coil centrosomal protein 1; plus strand). Cytogenetic location: 8q21.2.
Variant type: single nucleotide variant.
Coding change: c.691G>A on transcript NM_033402.5 (MANE Select); coding-DNA position 691, G replaced by A.
Protein change: p.Asp231Asn; replaces aspartic acid 231 with asparagine.
Molecular consequence: missense variant. On other transcripts: intron variant (2).
Genome position (GRCh38, 1-based): chr8:85,115,246, G>A. VCF-style: chr8-85115246-G-A. GRCh37 (hg19) VCF-style: chr8-86027481-G-A.
Other names: c.691G>A (NM_033402.4); c.412G>A, p.Asp138Asn (NM_001349636.2); c.265G>A, p.Asp89Asn (NM_001349637.2); c.33+2147G>A (NM_001349638.2); c.-14+2147G>A (NM_001349639.2); short protein forms D138N, D231N, D89N.
Identifiers: ClinVar variation 4751973 (VCV004751973.2).